The following is an entry in ClinVar:

ClinVar aggregate classification (germline): Pathogenic (1 of 4 stars; one submission).

Submission:

Labcorp Genetics (formerly Invitae), Labcorp
Classification: Pathogenic. Last evaluated: 2018-12-17. Review status: criteria provided, single submitter. Criteria: Invitae Variant Classification Sherloc (09022015). Collection method: clinical testing. Allele origin: germline.
Comment: This sequence change creates a premature translational stop signal (p.Gln1316Lysfs*45) in the PCDH15 gene. It is expected to result in an absent or disrupted protein product. This variant is not present in population databases (ExAC no frequency). This variant has not been reported in the literature in individuals with PCDH15-related conditions. Loss-of-function variants in PCDH15 are known to be pathogenic (PMID: 11398101, 11487575, 14570705). For these reasons, this variant has been classified as Pathogenic.

Literature cited by the submitters: PubMed 11398101; PubMed 11487575; PubMed 14570705.

NM_001384140.1(PCDH15):c.3946del (p.Gln1316fs)

Gene: PCDH15 (protocadherin related 15; minus strand). Cytogenetic location: 10q21.1.
Variant type: Deletion.
Coding change: c.3946del on transcript NM_001384140.1 (MANE Select); coding-DNA position 3946, one base deleted (C; older notation c.3946delC).
Protein change: p.Gln1316fs; shifts the reading frame from glutamine 1316.
Molecular consequence: frameshift variant.
Genome position (GRCh38, 1-based): chr10:53,840,357, G deleted on the plus strand (C on the coding strand, the reverse complement: PCDH15 is on the minus strand); the first of 5 consecutive G bases (chr10:53,840,357-53,840,361); deleting any one gives the same sequence. VCF-style (leftmost placement, unchanged base first): chr10-53840356-TG-T. GRCh37 (hg19) VCF-style: chr10-55600116-TG-T.
Other names: c.3961del, p.Gln1321fs (NM_001142763.2, NM_001142771.2); c.3946del, p.Gln1316fs (NM_001142764.2, NM_001142766.2, NM_001142770.3 and 4 more transcripts); c.3733del, p.Gln1245fs (NM_001142765.2); c.3835del, p.Gln1279fs (NM_001142767.2); c.3880del, p.Gln1294fs (NM_001142768.2, NM_001142773.2, NM_001354404.2); c.3978delC, p.Gln1328Lysfs (NM_001142769.4); c.3967del, p.Gln1323fs (NM_001354411.2); short protein forms Q1294fs, Q1328fs, Q1316fs, Q1323fs, Q1245fs, Q1279fs, Q1321fs.
Identifiers: ClinVar variation 641407 (VCV000641407.6), dbSNP rs1589036783, ClinGen allele CA915945918.